The following is an entry in ClinVar:

ClinVar aggregate classification (germline): Uncertain significance. Review status: criteria provided, multiple submitters, no conflicts (2 of 4 stars). 2 submissions from 2 submitters: Uncertain significance (2). Last evaluated 2025-08-12.

Conditions:
Inborn genetic diseases. Identifiers: MedGen C0950123, MeSH D030342.
Familial cold autoinflammatory syndrome 2 (FCAS2). Identifiers: Orphanet 247868, MedGen C2673198, MONDO:0012724, OMIM 611762.

Allele frequency attached by ClinVar (database versions not stated): ExAC 0.00001; gnomAD exomes 0.00002 and 0.00003; gnomAD 0.00005; TOPMed 0.00005.
gnomAD v4.1: 59 of 1,614,022 alleles (0.0037%); highest among the groups gnomAD compares: Non-Finnish European, 0.0046%; no homozygotes.

Submissions (2):

Labcorp Genetics (formerly Invitae), Labcorp
Classification: Uncertain significance for Familial cold autoinflammatory syndrome 2. Last evaluated: 2025-08-12. Review status: criteria provided, single submitter. Criteria: Invitae Variant Classification Sherloc (09022015). Collection method: clinical testing. Allele origin: germline.
Comment: This sequence change replaces tyrosine, which is neutral and polar, with cysteine, which is neutral and slightly polar, at codon 377 of the NLRP12 protein (p.Tyr377Cys). This variant is present in population databases (rs760166759, gnomAD 0.004%). This variant has not been reported in the literature in individuals affected with NLRP12-related conditions. ClinVar contains an entry for this variant (Variation ID: 581193). Invitae Evidence Modeling of protein sequence and biophysical properties (such as structural, functional, and spatial information, amino acid conservation, physicochemical variation, residue mobility, and thermodynamic stability) indicates that this missense variant is expected to disrupt NLRP12 protein function with a positive predictive value of 80%. In summary, the available evidence is currently insufficient to determine the role of this variant in disease. Therefore, it has been classified as a Variant of Uncertain Significance.

Ambry Genetics
Classification: Uncertain significance for Inborn genetic diseases. Last evaluated: 2024-09-30. Review status: criteria provided, single submitter. Criteria: Ambry Variant Classification Scheme 2023. Collection method: clinical testing. Allele origin: germline.

NM_144687.4(NLRP12):c.1130A>G (p.Tyr377Cys)

Gene: NLRP12 (NLR family pyrin domain containing 12; minus strand). Cytogenetic location: 19q13.42.
Variant type: single nucleotide variant.
Coding change: c.1130A>G on transcript NM_144687.4 (MANE Select); coding-DNA position 1130, A replaced by G.
Protein change: p.Tyr377Cys; replaces tyrosine 377 with cysteine.
Molecular consequence: missense variant.
Genome position (GRCh38, 1-based): chr19:53,810,529, T>C on the plus strand (A>G on the coding strand, the complement: NLRP12 is on the minus strand). VCF-style: chr19-53810529-T-C. GRCh37 (hg19) VCF-style: chr19-54313783-T-C.
Other names: c.1130A>G, p.Tyr377Cys (NM_001277126.2, NM_001277129.1); c.1130A>G (NM_144687.2); short protein forms Y377C.
Identifiers: ClinVar variation 581193 (VCV000581193.9), dbSNP rs760166759, ClinGen allele CA9639514.
Genomic context (GRCh38, chr19:53,810,529, plus strand): 5'-AGAGGCTCGTTGTCCCTCACGTAATTGAAGACTTGGCCCGCCTGCTCTGCATTGTGGAAA[T>C]ACTTGTAGAAGTATTCCTTCCTTTCTGCCTCAGAGAAGCCCAGGATCTCCACATGCCTGG-3'
Protein context (NP_653288.1, residues 367-387): EAERKEYFYK[Tyr377Cys]FHNAEQAGQV